The following is an entry in ClinVar:

NM_000202.8(IDS):c.397dup (p.Val133fs)

Gene: IDS (iduronate 2-sulfatase; minus strand). Cytogenetic location: Xq28.
Variant type: Duplication.
Coding change: c.397dup on transcript NM_000202.8 (MANE Select); coding-DNA position 397, one base duplicated (G; older notation c.397dupG).
Protein change: p.Val133fs; shifts the reading frame from valine 133.
Molecular consequence: frameshift variant. On other transcripts: non-coding transcript variant (1).
Genome position (GRCh38, 1-based): chrX:149,503,333, C duplicated on the plus strand (G on the coding strand, the reverse complement: IDS is on the minus strand); the first of 2 consecutive C bases (chrX:149,503,333-149,503,334); duplicating either gives the same sequence. VCF-style (leftmost placement, unchanged base first): chrX-149503332-A-AC. GRCh37 (hg19) VCF-style: chrX-148584862-A-AC.
Other names: c.127dup, p.Val43fs (NM_001166550.4); c.397dup, p.Val133fs (NM_006123.5); short protein forms V133fs, V43fs.
Identifiers: ClinVar variation 5011783 (VCV005011783.1).
Genomic context (GRCh38, chrX:149,503,332, plus strand): 5'-ACAAACCAAGAGAACCCAGACTCTGGACATGGAGCAGTACCAGGGTGAAAGACTTTTCCC[A>AC]CCGACATGGTCACATAGCCATTCTCCTTGAAGTACTGGGGGATGGTGGAGAAGTTTCCAG-3'

ClinVar aggregate classification (germline): Pathogenic (1 of 4 stars; one submission).

Conditions:
Mucopolysaccharidosis, MPS-II (MPS2). Also called: Attenuated MPS (subtype; formerly known as mild MPS II); Severe MPS II; I2S deficiency; MPS 2; Hunter Syndrome; IDURONATE 2-SULFATASE DEFICIENCY. Identifiers: Orphanet 580, Orphanet 79388, MedGen C0026705, MONDO:0010674, OMIM 309900.

Submission:

Myriad Genetics, Inc.
Classification: Pathogenic for Mucopolysaccharidosis, MPS-II. Last evaluated: 2023-09-27. Review status: criteria provided, single submitter. Criteria: Myriad Autosomal Dominant, Autosomal Recessive and X-Linked Classification Criteria (2023). Collection method: clinical testing. Allele origin: unknown.
Comment: NM_000202.5(IDS):c.397dupG(V133Gfs*12) is expected to be pathogenic in the context of mucopolysaccharidosis type II. This variant is predicted to lead to an abnormal or absent protein product due to the creation of a premature termination codon in IDS, a gene where loss-of-function variants are known to be pathogenic. Please note: this variant was assessed in the context of healthy population screening.